The following is an entry in ClinVar:

NM_002691.4(POLD1):c.2579C>T (p.Ala860Val)

Gene: POLD1 (DNA polymerase delta 1, catalytic subunit; plus strand). Cytogenetic location: 19q13.33.
Variant type: single nucleotide variant.
Coding change: c.2579C>T on transcript NM_002691.4 (MANE Select); coding-DNA position 2579, C replaced by T.
Protein change: p.Ala860Val; replaces alanine 860 with valine.
Molecular consequence: missense variant. On other transcripts: non-coding transcript variant (1).
Genome position (GRCh38, 1-based): chr19:50,415,452, C>T. VCF-style: chr19-50415452-C-T. GRCh37 (hg19) VCF-style: chr19-50918709-C-T.
Other names: c.2579C>T, p.Ala860Val (NM_001256849.1); c.2657C>T, p.Ala886Val (NM_001308632.1); c.2579C>T (NM_002691.2); short protein forms A860V, A886V.
Identifiers: ClinVar variation 407997 (VCV000407997.13), dbSNP rs1060501818, ClinGen allele CA16616167.
Genomic context (GRCh38, chr19:50,415,452, plus strand): 5'-GCCCTCAGTGCCTTTTGGTGACGCTGTGCGGCCCGCTCTCCTACAGAGACCCTGAGGGCG[C>T]GGTGGCTCACGCACAGGACGTCATCTCGGACCTGCTGTGCAACCGCATCGATATCTCCCA-3'
Protein context (NP_002682.2, residues 850-870): RLLIDRDPEG[Ala860Val]VAHAQDVISD

ClinVar aggregate classification (germline): Uncertain significance. Review status: criteria provided, multiple submitters, no conflicts (2 of 4 stars). 3 submissions from 3 submitters: Uncertain significance (3). Last evaluated 2025-11-10.

Conditions:
POLD1-related polyposis and colorectal cancer syndrome (CRCS10). Also called: Colorectal cancer, susceptibility to, 10; Colorectal cancer 10; COLORECTAL CANCER, SUSCEPTIBILITY TO, ON CHROMOSOME 19q. Identifiers: Orphanet 220460, MedGen C2675481, MONDO:0012953, OMIM 612591.
Hereditary cancer-predisposing syndrome. Also called: Neoplastic Syndromes, Hereditary; Hereditary neoplastic syndrome; Hereditary Cancer Syndrome; Tumor predisposition. Identifiers: Orphanet 140162, MedGen C0027672, MeSH D009386, MONDO:0015356.

Allele frequency attached by ClinVar (database versions not stated): gnomAD exomes below 0.00001; gnomAD 0.00001; TOPMed 0.00002.
gnomAD v4.1: 4 of 1,612,560 alleles (0.00025%); highest among the groups gnomAD compares: African/African-American, 0.0013%; no homozygotes.

Submissions (3):

Labcorp Genetics (formerly Invitae), Labcorp
Classification: Uncertain significance for POLD1-related polyposis and colorectal cancer syndrome. Last evaluated: 2025-11-10. Review status: criteria provided, single submitter. Criteria: Invitae Variant Classification Sherloc (09022015). Collection method: clinical testing. Allele origin: germline.
Comment: This sequence change replaces alanine, which is neutral and non-polar, with valine, which is neutral and non-polar, at codon 860 of the POLD1 protein (p.Ala860Val). This variant is present in population databases (no rsID available, gnomAD 0.0009%). This variant has not been reported in the literature in individuals affected with POLD1-related conditions. ClinVar contains an entry for this variant (Variation ID: 407997). Invitae Evidence Modeling of protein sequence and biophysical properties (such as structural, functional, and spatial information, amino acid conservation, physicochemical variation, residue mobility, and thermodynamic stability) indicates that this missense variant is expected to disrupt POLD1 protein function with a positive predictive value of 80%. In summary, the available evidence is currently insufficient to determine the role of this variant in disease. Therefore, it has been classified as a Variant of Uncertain Significance.

Ambry Genetics
Classification: Uncertain significance for Hereditary cancer-predisposing syndrome. Last evaluated: 2024-12-28. Review status: criteria provided, single submitter. Criteria: Ambry Variant Classification Scheme 2023. Collection method: clinical testing. Allele origin: germline.
Comment: The p.A860V variant (also known as c.2579C>T), located in coding exon 20 of the POLD1 gene, results from a C to T substitution at nucleotide position 2579. The alanine at codon 860 is replaced by valine, an amino acid with similar properties. This amino acid position is highly conserved in available vertebrate species. In addition, this alteration is predicted to be tolerated by in silico analysis. Based on the available evidence, the clinical significance of this variant remains unclear.

GeneDx
Classification: Uncertain significance. Last evaluated: 2023-06-21. Review status: criteria provided, single submitter. Criteria: GeneDx Variant Classification Process June 2021. Collection method: clinical testing. Allele origin: germline. Affected: yes.
Comment: Not observed at significant frequency in large population cohorts (gnomAD); In silico analysis supports that this missense variant has a deleterious effect on protein structure/function; Has not been previously published as a pathogenic or benign germline variant to our knowledge; This variant is associated with the following publications: (PMID: 29338072, 31034466, 27149842)